The following is an entry in ClinVar:

ClinVar aggregate classification (germline): Likely benign. Review status: criteria provided, multiple submitters, no conflicts (2 of 4 stars). 3 submissions from 3 submitters: Likely benign (3). Last evaluated 2026-02-01.

Allele frequency attached by ClinVar (database versions not stated): TOPMed 0.00019; ESP Exome Variant Server 0.00023; gnomAD exomes 0.00028 and 0.00043; ExAC 0.00030; gnomAD 0.00032 and 0.00036.
gnomAD v4.1: 664 of 1,612,958 alleles (0.041%); highest among the groups gnomAD compares: Non-Finnish European, 0.05%; no homozygotes.

Submissions (3):

CeGaT Center for Human Genetics Tuebingen
Classification: Likely benign. Last evaluated: 2026-02-01. Review status: criteria provided, single submitter. Criteria: CeGaT Center For Human Genetics Tuebingen Variant Classification Criteria Version 2. Collection method: clinical testing. Allele origin: germline. Affected: yes. Observed: 1 variant allele.
Comment: IL17RD: BP4, BP7

Blueprint Genetics
Classification: Likely benign. Last evaluated: 2024-05-15. Review status: criteria provided, single submitter. Criteria: ACMG Guidelines, 2015. Collection method: clinical testing. Allele origin: germline.

Labcorp Genetics (formerly Invitae), Labcorp
Classification: Likely benign. Last evaluated: 2019-12-31. Review status: criteria provided, single submitter. Criteria: Invitae Variant Classification Sherloc (09022015). Collection method: clinical testing. Allele origin: germline.

NM_017563.5(IL17RD):c.444A>G (p.Gln148=)

Gene: IL17RD (interleukin 17 receptor D; minus strand). Cytogenetic location: 3p14.3.
Variant type: single nucleotide variant.
Coding change: c.444A>G on transcript NM_017563.5 (MANE Select); coding-DNA position 444, A replaced by G.
Protein change: p.Gln148=; no amino-acid change (glutamine 148 retained).
Molecular consequence: synonymous variant.
Genome position (GRCh38, 1-based): chr3:57,109,643, T>C on the plus strand (A>G on the coding strand, the complement: IL17RD is on the minus strand). VCF-style: chr3-57109643-T-C. GRCh37 (hg19) VCF-style: chr3-57143671-T-C.
Other names: c.12A>G, p.Gln4= (NM_001318864.2).
Identifiers: ClinVar variation 746063 (VCV000746063.9), dbSNP rs151166237, ClinGen allele CA2463067.